The following is an entry in ClinVar:

ClinVar aggregate classification (germline): Uncertain significance (1 of 4 stars; one submission).

Submission:

GeneDx
Classification: Uncertain significance. Last evaluated: 2023-12-13. Review status: criteria provided, single submitter. Criteria: GeneDx Variant Classification Process June 2021. Collection method: clinical testing. Allele origin: germline. Affected: yes.
Comment: Not observed at significant frequency in large population cohorts (gnomAD); In silico analysis supports that this missense variant has a deleterious effect on protein structure/function; Has not been previously published as pathogenic or benign to our knowledge

NM_001130021.3(ATP6V0A1):c.2438A>C (p.Lys813Thr)

Gene: ATP6V0A1 (ATPase H+ transporting V0 subunit a1; plus strand). Cytogenetic location: 17q21.2.
Variant type: single nucleotide variant.
Coding change: c.2438A>C on transcript NM_001130021.3 (MANE Select); coding-DNA position 2438, A replaced by C.
Protein change: p.Lys813Thr; replaces lysine 813 with threonine.
Molecular consequence: missense variant.
Genome position (GRCh38, 1-based): chr17:42,521,044, A>C. VCF-style: chr17-42521044-A-C. GRCh37 (hg19) VCF-style: chr17-40673062-A-C.
Other names: c.2441A>C, p.Lys814Thr (NM_001130020.3); c.2459A>C, p.Lys820Thr (NM_001378522.1); c.2333A>C, p.Lys778Thr (NM_001378523.1); c.2636A>C, p.Lys879Thr (NM_001378530.1); c.2582A>C, p.Lys861Thr (NM_001378531.1); c.2564A>C, p.Lys855Thr (NM_001378532.1); c.2561A>C, p.Lys854Thr (NM_001378533.1); c.2534A>C, p.Lys845Thr (NM_001378534.1); and 20 more; short protein forms K731T, K736T, K737T, K742T, K743T, K753T, K754T, K764T.
Identifiers: ClinVar variation 3365219 (VCV003365219.1).